The following is an entry in ClinVar:

ClinVar aggregate classification (germline): Benign/Likely benign. Review status: criteria provided, multiple submitters, no conflicts (2 of 4 stars). 3 submissions from 3 submitters: Benign (1); Likely benign (2). Last evaluated 2026-02-02.

Conditions:
Sucrase-isomaltase deficiency (CSID). Also called: Congenital sucrose isomaltose malabsorption; Sucrose isomaltose enzyme deficiency; SI DEFICIENCY; Deficiency of isomaltase. Identifiers: Orphanet 35122, MedGen C1283620, MONDO:0009114, OMIM 222900.

Allele frequency attached by ClinVar (database versions not stated): gnomAD exomes 0.00050 and 0.00137; ExAC 0.00173; 1000 Genomes Project 0.00359; 1000 Genomes Project 30x 0.00406; gnomAD 0.00518 and 0.00560; TOPMed 0.00624; ESP Exome Variant Server 0.00708.
gnomAD v4.1: 1,565 of 1,608,216 alleles (0.097%); highest among the groups gnomAD compares: African/African-American, 1.8%; 15 homozygotes.

Submissions (3):

Labcorp Genetics (formerly Invitae), Labcorp
Classification: Benign. Last evaluated: 2026-02-02. Review status: criteria provided, single submitter. Criteria: Invitae Variant Classification Sherloc (09022015). Collection method: clinical testing. Allele origin: germline.

Blueprint Genetics
Classification: Likely benign. Last evaluated: 2024-11-26. Review status: criteria provided, single submitter. Criteria: ACMG Guidelines, 2015. Collection method: clinical testing. Allele origin: germline.

Illumina Laboratory Services, Illumina
Classification: Likely benign for Sucrase-isomaltase deficiency. Last evaluated: 2018-01-13. Review status: criteria provided, single submitter. Criteria: ICSL Variant Classification Criteria 13 December 2019. Collection method: clinical testing. Allele origin: germline.
Comment: This variant was observed in the ICSL laboratory as part of a predisposition screen in an ostensibly healthy population. It had not been previously curated by ICSL or reported in the Human Gene Mutation Database (HGMD: prior to June 1st, 2018), and was therefore a candidate for classification through an automated scoring system. Utilizing variant allele frequency, disease prevalence and penetrance estimates, and inheritance mode, an automated score was calculated to assess if this variant is too frequent to cause the disease. Based on the score and internal cut-off values, a variant classified as likely benign is not then subjected to further curation. The score for this variant resulted in a classification of likely benign for this disease.

NM_001041.4(SI):c.2887A>C (p.Arg963=)

Gene: SI (sucrase-isomaltase; minus strand). Cytogenetic location: 3q26.1.
Variant type: single nucleotide variant.
Coding change: c.2887A>C on transcript NM_001041.4 (MANE Select); coding-DNA position 2887, A replaced by C.
Protein change: p.Arg963=; no amino-acid change (arginine 963 retained).
Molecular consequence: synonymous variant.
Genome position (GRCh38, 1-based): chr3:165,030,717, T>G on the plus strand (A>C on the coding strand, the complement: SI is on the minus strand). VCF-style: chr3-165030717-T-G. GRCh37 (hg19) VCF-style: chr3-164748505-T-G.
Identifiers: ClinVar variation 344036 (VCV000344036.14), dbSNP rs113456182, ClinGen allele CA2690478.